The following is an entry in ClinVar:

ClinVar aggregate classification (germline): Uncertain significance. Review status: criteria provided, multiple submitters, no conflicts (2 of 4 stars). 2 submissions from 2 submitters: Uncertain significance (2). Last evaluated 2024-01-24.

Conditions:
Immunodeficiency 25. Also called: Immunodeficiency due to defect in cd3-zeta, somatic. Identifiers: MedGen C1857798, MONDO:0012426, OMIM 610163.

Allele frequency attached by ClinVar (database versions not stated): ExAC 0.00004; gnomAD exomes 0.00004; ESP Exome Variant Server 0.00008; gnomAD 0.00010 and 0.00011; TOPMed 0.00010.
gnomAD v4.1: 74 of 1,613,900 alleles (0.0046%); highest among the groups gnomAD compares: African/African-American, 0.048%; no homozygotes.

Submissions (2):

Ambry Genetics
Classification: Uncertain significance. Last evaluated: 2024-01-24. Review status: criteria provided, single submitter. Criteria: Ambry Variant Classification Scheme 2023. Collection method: clinical testing. Allele origin: germline.

Labcorp Genetics (formerly Invitae), Labcorp
Classification: Uncertain significance for Immunodeficiency 25. Last evaluated: 2022-08-11. Review status: criteria provided, single submitter. Criteria: Invitae Variant Classification Sherloc (09022015). Collection method: clinical testing. Allele origin: germline.
Comment: This sequence change replaces arginine, which is basic and polar, with glutamine, which is neutral and polar, at codon 92 of the CD247 protein (p.Arg92Gln). This variant is present in population databases (rs367690333, gnomAD 0.04%). This variant has not been reported in the literature in individuals affected with CD247-related conditions. ClinVar contains an entry for this variant (Variation ID: 644174). Algorithms developed to predict the effect of missense changes on protein structure and function (SIFT, PolyPhen-2, Align-GVGD) all suggest that this variant is likely to be tolerated. In summary, the available evidence is currently insufficient to determine the role of this variant in disease. Therefore, it has been classified as a Variant of Uncertain Significance.

NM_198053.3(CD247):c.275G>A (p.Arg92Gln)

Gene: CD247 (CD247 molecule; minus strand). Cytogenetic location: 1q24.2.
Variant type: single nucleotide variant.
Coding change: c.275G>A on transcript NM_198053.3 (MANE Select); coding-DNA position 275, G replaced by A.
Protein change: p.Arg92Gln; replaces arginine 92 with glutamine.
Molecular consequence: missense variant.
Genome position (GRCh38, 1-based): chr1:167,438,595, C>T on the plus strand (G>A on the coding strand, the complement: CD247 is on the minus strand). VCF-style: chr1-167438595-C-T. GRCh37 (hg19) VCF-style: chr1-167407832-C-T.
Other names: c.275G>A, p.Arg92Gln (NM_000734.4); c.368G>A, p.Arg123Gln (NM_001378515.1, NM_001378516.1); short protein forms R92Q, R123Q.
Identifiers: ClinVar variation 644174 (VCV000644174.4), dbSNP rs367690333, ClinGen allele CA1226024.